The following is an entry in ClinVar:

NM_000701.8(ATP1A1):c.1424C>T (p.Ala475Val)

Genes: ATP1A1 (ATPase Na+/K+ transporting subunit alpha 1; plus strand), ATP1A1-AS1 (ATP1A1 antisense RNA 1; minus strand). Cytogenetic location: 1p13.1.
Variant type: single nucleotide variant.
Coding change: c.1424C>T on transcript NM_000701.8 (MANE Select); coding-DNA position 1424, C replaced by T.
Protein change: p.Ala475Val; replaces alanine 475 with valine.
Molecular consequence: missense variant. On other transcripts: non-coding transcript variant (1).
Genome position (GRCh38, 1-based): chr1:116,392,945, C>T. VCF-style: chr1-116392945-C-T. GRCh37 (hg19) VCF-style: chr1-116935567-C-T.
Other names: c.1424C>T, p.Ala475Val (NM_001160233.2); c.1331C>T, p.Ala444Val (NM_001160234.2); short protein forms A475V, A444V.
Identifiers: ClinVar variation 2815197 (VCV002815197.3), dbSNP rs2525849955, ClinGen allele CA341770514.
Genomic context (GRCh38, chr1:116,392,945, plus strand): 5'-CACTCTTAAAGTGCATAGAGCTGTGCTGTGGTTCCGTGAAGGAGATGAGAGAAAGATACG[C>T]CAAAATCGTCGAGATACCCTTCAACTCCACCAACAAGTACCAGGTCTGAAGATCGATGGG-3'
Protein context (NP_000692.2, residues 465-485): GSVKEMRERY[Ala475Val]KIVEIPFNST

ClinVar aggregate classification (germline): Uncertain significance (1 of 4 stars; one submission).

Allele frequency attached by ClinVar (database versions not stated): gnomAD exomes below 0.00001.
gnomAD v4.1: 1 of 1,614,016 alleles (0.000062%); highest among the groups gnomAD compares: Non-Finnish European, 0.000085%; no homozygotes.

Submission:

Labcorp Genetics (formerly Invitae), Labcorp
Classification: Uncertain significance. Last evaluated: 2022-11-19. Review status: criteria provided, single submitter. Criteria: Invitae Variant Classification Sherloc (09022015). Collection method: clinical testing. Allele origin: germline.
Comment: In summary, the available evidence is currently insufficient to determine the role of this variant in disease. Therefore, it has been classified as a Variant of Uncertain Significance. Advanced modeling of protein sequence and biophysical properties (such as structural, functional, and spatial information, amino acid conservation, physicochemical variation, residue mobility, and thermodynamic stability) performed at Invitae indicates that this missense variant is not expected to disrupt ATP1A1 protein function. This variant has not been reported in the literature in individuals affected with ATP1A1-related conditions. This variant is not present in population databases (gnomAD no frequency). This sequence change replaces alanine, which is neutral and non-polar, with valine, which is neutral and non-polar, at codon 475 of the ATP1A1 protein (p.Ala475Val).